The following is an entry in ClinVar:

ClinVar aggregate classification (germline): Likely benign. Review status: criteria provided, multiple submitters, no conflicts (2 of 4 stars). 2 submissions from 2 submitters: Likely benign (2). Last evaluated 2025-05-01.

Conditions:
Hypertrophic cardiomyopathy 2. Also called: TNNT2-Related Familial Hypertrophic Cardiomyopathy. Identifiers: MedGen C1861864, MONDO:0007266, OMIM 115195.
Dilated cardiomyopathy 1D. Identifiers: Orphanet 154, Orphanet 54260, MedGen C1832243, MONDO:0011095, OMIM 601494.
Cardiomyopathy, familial restrictive, 3. Identifiers: Orphanet 75249, MedGen C2676271, MONDO:0012900, OMIM 612422.

Allele frequency attached by ClinVar (database versions not stated): gnomAD exomes below 0.00001.

Submissions (2):

CeGaT Center for Human Genetics Tuebingen
Classification: Likely benign. Last evaluated: 2025-05-01. Review status: criteria provided, single submitter. Criteria: CeGaT Center For Human Genetics Tuebingen Variant Classification Criteria Version 2. Collection method: clinical testing. Allele origin: germline. Affected: yes. Observed: 1 variant allele.
Comment: TNNT2: BP4, BP7

Labcorp Genetics (formerly Invitae), Labcorp
Classification: Likely benign for Cardiomyopathy, familial restrictive, 3; Hypertrophic cardiomyopathy 2; Dilated cardiomyopathy 1D. Last evaluated: 2022-02-18. Review status: criteria provided, single submitter. Criteria: Invitae Variant Classification Sherloc (09022015). Collection method: clinical testing. Allele origin: germline.

NM_001276345.2(TNNT2):c.732G>A (p.Lys244=)

Gene: TNNT2 (troponin T2, cardiac type; minus strand). Cytogenetic location: 1q32.1.
Variant type: single nucleotide variant.
Coding change: c.732G>A on transcript NM_001276345.2 (MANE Select); coding-DNA position 732, G replaced by A.
Protein change: p.Lys244=; no amino-acid change (lysine 244 retained).
Molecular consequence: synonymous variant.
Genome position (GRCh38, 1-based): chr1:201,361,357, C>T on the plus strand (G>A on the coding strand, the complement: TNNT2 is on the minus strand). VCF-style: chr1-201361357-C-T. GRCh37 (hg19) VCF-style: chr1-201330485-C-T.
Other names: c.723G>A, p.Lys241= (NM_000364.4, NM_001406723.1); c.702G>A, p.Lys234= (NM_001001430.3, NM_001276347.2, NM_001406724.1); c.693G>A, p.Lys231= (NM_001001431.3, NM_001406726.1, NM_001406727.1); c.684G>A, p.Lys228= (NM_001001432.3); c.603G>A, p.Lys201= (NM_001276346.2); c.699G>A, p.Lys233= (NM_001406725.1); c.687G>A, p.Lys229= (NM_001406728.1).
Identifiers: ClinVar variation 2099080 (VCV002099080.14), dbSNP rs1658593702, ClinGen allele CA088802.